The following is an entry in ClinVar:

NM_014806.5(RUSC2):c.3347G>A (p.Arg1116Gln)

Gene: RUSC2 (RUN and SH3 domain containing 2; plus strand). Cytogenetic location: 9p13.3.
Variant type: single nucleotide variant.
Coding change: c.3347G>A on transcript NM_014806.5 (MANE Select); coding-DNA position 3347, G replaced by A.
Protein change: p.Arg1116Gln; replaces arginine 1116 with glutamine.
Molecular consequence: missense variant. On other transcripts: non-coding transcript variant (1).
Genome position (GRCh38, 1-based): chr9:35,559,231, G>A. VCF-style: chr9-35559231-G-A. GRCh37 (hg19) VCF-style: chr9-35559228-G-A.
Other names: c.3347G>A, p.Arg1116Gln (NM_001135999.2); c.713G>A, p.Arg238Gln (NM_001330740.2); c.3347G>A (NM_001135999.1); short protein forms R1116Q, R238Q.
Identifiers: ClinVar variation 1513181 (VCV001513181.9), dbSNP rs375549317, ClinGen allele CA5044135.

ClinVar aggregate classification (germline): Uncertain significance. Review status: criteria provided, multiple submitters, no conflicts (2 of 4 stars). 2 submissions from 2 submitters: Uncertain significance (2). Last evaluated 2025-12-17.

Allele frequency attached by ClinVar (database versions not stated): TOPMed 0.00001; ExAC 0.00002; gnomAD exomes 0.00002; ESP Exome Variant Server 0.00008; gnomAD 0.00001.
gnomAD v4.1: 18 of 1,613,078 alleles (0.0011%); highest among the groups gnomAD compares: South Asian, 0.0044%; no homozygotes.

Submissions (2):

Ambry Genetics
Classification: Uncertain significance. Last evaluated: 2025-12-17. Review status: criteria provided, single submitter. Criteria: Ambry Variant Classification Scheme 2023. Collection method: clinical testing. Allele origin: germline.

Labcorp Genetics (formerly Invitae), Labcorp
Classification: Uncertain significance. Last evaluated: 2021-02-24. Review status: criteria provided, single submitter. Criteria: Invitae Variant Classification Sherloc (09022015). Collection method: clinical testing. Allele origin: germline.
Comment: This sequence change replaces arginine with glutamine at codon 1116 of the RUSC2 protein (p.Arg1116Gln). The arginine residue is highly conserved and there is a small physicochemical difference between arginine and glutamine. This variant is present in population databases (rs375549317, ExAC 0.01%). This variant has not been reported in the literature in individuals with RUSC2-related conditions. Algorithms developed to predict the effect of missense changes on protein structure and function are either unavailable or do not agree on the potential impact of this missense change (SIFT: "Deleterious"; PolyPhen-2: "Probably Damaging"; Align-GVGD: "Class C0"). In summary, the available evidence is currently insufficient to determine the role of this variant in disease. Therefore, it has been classified as a Variant of Uncertain Significance.